The following is an entry in ClinVar:

NM_016008.4(DYNC2LI1):c.507+44T>A

Gene: DYNC2LI1 (dynein cytoplasmic 2 light intermediate chain 1; plus strand). Cytogenetic location: 2p21.
Variant type: single nucleotide variant.
Coding change: c.507+44T>A on transcript NM_016008.4 (MANE Select); 44 bases into the intron after coding-DNA position 507, T replaced by A.
Molecular consequence: intron variant. On other transcripts: missense variant (1).
Genome position (GRCh38, 1-based): chr2:43,794,687, T>A. VCF-style: chr2-43794687-T-A. GRCh37 (hg19) VCF-style: chr2-44021826-T-A.
Other names: c.551T>A, p.Phe184Tyr (NM_015522.4); c.507+44T>A (NM_001348913.2, NM_001348912.2, NM_001193464.2); c.551T>A (NM_015522.3); short protein forms F184Y.
Identifiers: ClinVar variation 1223966 (VCV001223966.6), dbSNP rs9309107, ClinGen allele CA1635858.

ClinVar aggregate classification (germline): Benign. Review status: criteria provided, multiple submitters, no conflicts (2 of 4 stars). 3 submissions from 3 submitters: Benign (2). 1 of the submissions does not count toward it. Last evaluated 2021-05-11.

Conditions:
DYNC2LI1-related disorder. Also called: DYNC2LI1-related condition.

Allele frequency attached by ClinVar (database versions not stated): gnomAD exomes 0.34450 and 0.38633; ExAC 0.39498; ESP Exome Variant Server 0.44157; TOPMed 0.45073; 1000 Genomes Project 0.45168; 1000 Genomes Project 30x 0.46565.
gnomAD v4.1: 569,652 of 1,612,974 alleles (35%); highest among the groups gnomAD compares: African/African-American, 67%; 107,454 homozygotes.

Submissions (3):

GeneDx
Classification: Benign. Last evaluated: 2021-05-11. Review status: criteria provided, single submitter. Criteria: GeneDx Variant Classification Process June 2021. Collection method: clinical testing. Allele origin: germline. Affected: yes.

Breakthrough Genomics
Classification: Benign. Review status: criteria provided, single submitter. Criteria: ACMG Guidelines, 2015. Collection method: not provided. Allele origin: germline. Inheritance: Autosomal recessive inheritance. Affected: yes.

PreventionGenetics, part of Exact Sciences
Classification: Benign for DYNC2LI1-related condition. Last evaluated: 2023-01-26. Review status: no assertion criteria provided. Collection method: clinical testing. Allele origin: germline. Not counted in ClinVar's aggregate classification.
Comment: This variant is classified as benign based on ACMG/AMP sequence variant interpretation guidelines (Richards et al. 2015 PMID: 25741868, with internal and published modifications).